The following is an entry in ClinVar:

ClinVar aggregate classification (germline): Uncertain significance (1 of 4 stars; one submission).

Conditions:
Intellectual developmental disorder with dysmorphic facies and behavioral abnormalities. Identifiers: MedGen C4748135, MONDO:0060760, OMIM 618089.

Submission:

Institute of Human Genetics, University of Goettingen
Classification: Uncertain significance for Intellectual developmental disorder with dysmorphic facies and behavioral abnormalities. Review status: criteria provided, single submitter. Criteria: ACMG Guidelines, 2015. Collection method: clinical testing. Allele origin: germline. Inheritance: Autosomal dominant inheritance. Affected: yes.
Comment: PM2_sup:Extremely low frequency in gnomAD population databases PP3_mod:For a missense or a splicing region variant, computational prediction tools unanimously support a deleterious effect on the gene PP2:Missense variant in a gene with low rate of benign missense mutations and for which missense mutation is a common mechanism of a disease

NM_001190274.2(FBXO11):c.1931A>G (p.Tyr644Cys)

Gene: FBXO11 (F-box protein 11; minus strand). Cytogenetic location: 2p16.3.
Variant type: single nucleotide variant.
Coding change: c.1931A>G on transcript NM_001190274.2 (MANE Select); coding-DNA position 1931, A replaced by G.
Protein change: p.Tyr644Cys; replaces tyrosine 644 with cysteine.
Molecular consequence: missense variant.
Genome position (GRCh38, 1-based): chr2:47,818,854, T>C on the plus strand (A>G on the coding strand, the complement: FBXO11 is on the minus strand). VCF-style: chr2-47818854-T-C. GRCh37 (hg19) VCF-style: chr2-48045993-T-C.
Other names: c.1679A>G, p.Tyr560Cys (NM_001374325.1, NM_025133.4); short protein forms Y560C, Y644C.
Identifiers: ClinVar variation 3393349 (VCV003393349.1).